The following is an entry in ClinVar:

NM_016592.5(GNAS):c.669G>A (p.Lys223=)

Genes: GNAS (GNAS complex locus; plus strand), GNAS-AS1 (GNAS antisense RNA 1; minus strand). Cytogenetic location: 20q13.32.
Variant type: single nucleotide variant.
Coding change: c.669G>A on transcript NM_016592.5 (MANE Plus Clinical); coding-DNA position 669, G replaced by A.
Protein change: p.Lys223=; no amino-acid change (lysine 223 retained).
Molecular consequence: synonymous variant. On other transcripts: 5 prime UTR variant (1).
Genome position (GRCh38, 1-based): chr20:58,840,775, G>A. VCF-style: chr20-58840775-G-A. GRCh37 (hg19) VCF-style: chr20-57415830-G-A.
Other names: c.-69G>A (NM_001410912.1).
Identifiers: ClinVar variation 3351101 (VCV003351101.1).

ClinVar aggregate classification (germline): Likely benign (0 of 4 stars; one submission).

Conditions:
GNAS-related disorder. Identifiers: MedGen CN380105.

gnomAD v4.1: 10 of 1,608,308 alleles (0.00062%); highest among the groups gnomAD compares: Non-Finnish European, 0.00085%; no homozygotes.

Submission:

PreventionGenetics, part of Exact Sciences
Classification: Likely benign for GNAS-related condition. Last evaluated: 2024-08-20. Review status: no assertion criteria provided. Collection method: clinical testing. Allele origin: germline.
Comment: This variant is classified as likely benign based on ACMG/AMP sequence variant interpretation guidelines (Richards et al. 2015 PMID: 25741868, with internal and published modifications).